The following is an entry in ClinVar:

NM_018127.7(ELAC2):c.1435C>T (p.Gln479Ter)

Gene: ELAC2 (elaC ribonuclease Z 2; minus strand). Cytogenetic location: 17p12.
Variant type: single nucleotide variant.
Coding change: c.1435C>T on transcript NM_018127.7 (MANE Select); coding-DNA position 1435, C replaced by T.
Protein change: p.Gln479Ter; replaces glutamine 479 with a stop codon.
Molecular consequence: nonsense.
Genome position (GRCh38, 1-based): chr17:12,998,497, G>A on the plus strand (C>T on the coding strand, the complement: ELAC2 is on the minus strand). VCF-style: chr17-12998497-G-A. GRCh37 (hg19) VCF-style: chr17-12901814-G-A.
Other names: c.1315C>T, p.Gln439Ter (NM_001165962.2); c.1432C>T, p.Gln478Ter (NM_173717.2); short protein forms Q439*, Q478*, Q479*.
Identifiers: ClinVar variation 1073402 (VCV001073402.5), dbSNP rs138114191, ClinGen allele CA288078922.

ClinVar aggregate classification (germline): Pathogenic (1 of 4 stars; one submission).

Conditions:
Combined oxidative phosphorylation defect type 17. Also called: Combined oxidative phosphorylation deficiency 17. Identifiers: Orphanet 369913, MedGen C3809526, MONDO:0014190, OMIM 615440.

Allele frequency attached by ClinVar (database versions not stated): gnomAD exomes below 0.00001 and 0.00001; gnomAD 0.00001; 1000 Genomes Project 0.00020; 1000 Genomes Project 30x 0.00031.

Submission:

Labcorp Genetics (formerly Invitae), Labcorp
Classification: Pathogenic for Combined oxidative phosphorylation defect type 17. Last evaluated: 2024-03-12. Review status: criteria provided, single submitter. Criteria: Invitae Variant Classification Sherloc (09022015). Collection method: clinical testing. Allele origin: germline.
Comment: This sequence change creates a premature translational stop signal (p.Gln479*) in the ELAC2 gene. It is expected to result in an absent or disrupted protein product. Loss-of-function variants in ELAC2 are known to be pathogenic (PMID: 27769300, 31045291). This variant is present in population databases (rs138114191, gnomAD 0.003%). This variant has not been reported in the literature in individuals affected with ELAC2-related conditions. ClinVar contains an entry for this variant (Variation ID: 1073402). Experimental studies and prediction algorithms are not available or were not evaluated, and the functional significance of this variant is currently unknown. Algorithms developed to predict the effect of sequence changes on RNA splicing suggest that this variant may disrupt the consensus splice site. For these reasons, this variant has been classified as Pathogenic.

Literature cited by the submitters: PubMed 27769300; PubMed 31045291.